The following is an entry in ClinVar:

ClinVar aggregate classification (germline): Uncertain significance (1 of 4 stars; one submission).

Conditions:
Inborn genetic diseases. Identifiers: MedGen C0950123, MeSH D030342.

Submission:

Ambry Genetics
Classification: Uncertain significance for Inborn genetic diseases. Last evaluated: 2025-03-14. Review status: criteria provided, single submitter. Criteria: Ambry Variant Classification Scheme 2023. Collection method: clinical testing. Allele origin: germline.
Comment: The p.S485Y variant (also known as c.1454C>A), located in coding exon 1 of the SAMD9L gene, results from a C to A substitution at nucleotide position 1454. The serine at codon 485 is replaced by tyrosine, an amino acid with dissimilar properties. This amino acid position is conserved. In addition, this alteration is predicted to be tolerated by in silico analysis. Based on the available evidence, the clinical significance of this variant remains unclear.

NM_152703.5(SAMD9L):c.1454C>A (p.Ser485Tyr)

Gene: SAMD9L (sterile alpha motif domain containing 9 like; minus strand). Cytogenetic location: 7q21.2.
Variant type: single nucleotide variant.
Coding change: c.1454C>A on transcript NM_152703.5 (MANE Select); coding-DNA position 1454, C replaced by A.
Protein change: p.Ser485Tyr; replaces serine 485 with tyrosine.
Molecular consequence: missense variant.
Genome position (GRCh38, 1-based): chr7:93,134,518, G>T on the plus strand (C>A on the coding strand, the complement: SAMD9L is on the minus strand). VCF-style: chr7-93134518-G-T. GRCh37 (hg19) VCF-style: chr7-92763831-G-T.
Other names: c.1454C>A, p.Ser485Tyr (NM_001303496.3, NM_001303497.3, NM_001303498.3 and 5 more transcripts); short protein forms S485Y.
Identifiers: ClinVar variation 3792517 (VCV003792517.1).